The following is an entry in ClinVar:

NM_017780.4(CHD7):c.1339C>T (p.Gln447Ter)

Gene: CHD7 (chromodomain helicase DNA binding protein 7; plus strand). Cytogenetic location: 8q12.2.
Variant type: single nucleotide variant.
Coding change: c.1339C>T on transcript NM_017780.4 (MANE Select); coding-DNA position 1339, C replaced by T.
Protein change: p.Gln447Ter; replaces glutamine 447 with a stop codon.
Molecular consequence: nonsense.
Genome position (GRCh38, 1-based): chr8:60,742,771, C>T. VCF-style: chr8-60742771-C-T. GRCh37 (hg19) VCF-style: chr8-61655330-C-T.
Other names: c.1339C>T, p.Gln447Ter (NM_001316690.1); short protein forms Q447*.
Identifiers: ClinVar variation 1301888 (VCV001301888.1), dbSNP rs2150580758, ClinGen allele CA371302360.

ClinVar aggregate classification (germline): Likely pathogenic (1 of 4 stars; one submission).

Conditions:
CHARGE syndrome (CHARGE). Also called: Hittner Hirsch Kreh syndrome; CHARGE ASSOCIATION--COLOBOMA, HEART ANOMALY, CHOANAL ATRESIA, RETARDATION, GENITAL AND EAR ANOMALIES; Coloboma, heart anomaly, choanal atresia, retardation, genital and ear anomalies; CHARGE association; Hall-Hittner syndrome. Identifiers: Orphanet 138, MedGen C0265354, MONDO:0008965.

Submission:

Rady Children's Institute for Genomic Medicine, Rady Children's Hospital San Diego
Classification: Likely pathogenic for CHARGE SYNDROME. Last evaluated: 2020-08-12. Review status: criteria provided, single submitter. Criteria: ACMG Guidelines, 2015. Collection method: clinical testing. Allele origin: germline. Affected: yes.
Comment: This nonsense variant found in exon 2 of 38 is predicted to result in loss of normal protein function through either protein truncation or nonsense-mediated mRNA decay (NMD). This variant has not been previously reported or functionally characterized in the literature to our knowledge. It is absent from the gnomAD population database and thus is presumed to be rare. Based on the available evidence, the c.1339C>T (p.Gln447Ter) variant is classified as Likely Pathogenic.